The following is an entry in ClinVar:

NM_001204.7(BMPR2):c.1985A>G (p.Asp662Gly)

Gene: BMPR2 (bone morphogenetic protein receptor type 2; plus strand). Cytogenetic location: 2q33.2.
Variant type: single nucleotide variant.
Coding change: c.1985A>G on transcript NM_001204.7 (MANE Select); coding-DNA position 1985, A replaced by G.
Protein change: p.Asp662Gly; replaces aspartic acid 662 with glycine.
Molecular consequence: missense variant.
Genome position (GRCh38, 1-based): chr2:202,555,650, A>G. VCF-style: chr2-202555650-A-G. GRCh37 (hg19) VCF-style: chr2-203420373-A-G.
Other names: short protein forms D662G.
Identifiers: ClinVar variation 4867648 (VCV004867648.1).

ClinVar aggregate classification (germline): Uncertain significance (1 of 4 stars; one submission).

Conditions:
Inborn genetic diseases. Identifiers: MedGen C0950123, MeSH D030342.

Submission:

Ambry Genetics
Classification: Uncertain significance for Inborn genetic diseases. Last evaluated: 2026-06-01. Review status: criteria provided, single submitter. Criteria: Ambry Variant Classification Scheme 2023. Collection method: clinical testing. Allele origin: germline.
Comment: The p.D662G variant (also known as c.1985A>G), located in coding exon 12 of the BMPR2 gene, results from an A to G substitution at nucleotide position 1985. The aspartic acid at codon 662 is replaced by glycine, an amino acid with similar properties. This amino acid position is conserved. In addition, this alteration is predicted to be deleterious by in silico analysis. Based on the available evidence, the clinical significance of this variant remains unclear.